The following is an entry in ClinVar:

NM_001466.4(FZD2):c.495C>T (p.Thr165=)

Gene: FZD2 (frizzled class receptor 2; plus strand). Cytogenetic location: 17q21.31.
Variant type: single nucleotide variant.
Coding change: c.495C>T on transcript NM_001466.4 (MANE Select); coding-DNA position 495, C replaced by T.
Protein change: p.Thr165=; no amino-acid change (threonine 165 retained).
Molecular consequence: synonymous variant.
Genome position (GRCh38, 1-based): chr17:44,558,183, C>T. VCF-style: chr17-44558183-C-T. GRCh37 (hg19) VCF-style: chr17-42635551-C-T.
Identifiers: ClinVar variation 2126954 (VCV002126954.5), dbSNP rs776517733, ClinGen allele CA8604663.

ClinVar aggregate classification (germline): Conflicting classifications of pathogenicity. Review status: criteria provided, conflicting classifications (1 of 4 stars). 2 submissions from 2 submitters: Uncertain significance (1); Likely benign (1). Last evaluated 2022-07-13.

Allele frequency attached by ClinVar (database versions not stated): TOPMed 0.00001; ExAC 0.00002.
gnomAD v4.1: 3 of 1,509,194 alleles (0.0002%); highest among the groups gnomAD compares: East Asian, 0.008%; no homozygotes.

Submissions (2):

Blueprint Genetics
Classification: Likely benign. Last evaluated: 2022-07-13. Review status: criteria provided, single submitter. Criteria: ACMG Guidelines, 2015. Collection method: clinical testing. Allele origin: germline.

Labcorp Genetics (formerly Invitae), Labcorp
Classification: Uncertain significance. Last evaluated: 2022-05-04. Review status: criteria provided, single submitter. Criteria: Invitae Variant Classification Sherloc (09022015). Collection method: clinical testing. Allele origin: germline.
Comment: In summary, the available evidence is currently insufficient to determine the role of this variant in disease. Therefore, it has been classified as a Variant of Uncertain Significance. This variant has not been reported in the literature in individuals affected with FZD2-related conditions. This variant is present in population databases (rs776517733, gnomAD 0.02%). This sequence change affects codon 165 of the FZD2 mRNA. It is a 'silent' change, meaning that it does not change the encoded amino acid sequence of the FZD2 protein.